The following is an entry in ClinVar:

ClinVar aggregate classification (germline): Uncertain significance. Review status: criteria provided, multiple submitters, no conflicts (2 of 4 stars). 2 submissions from 2 submitters: Uncertain significance (2). Last evaluated 2024-12-12.

Allele frequency attached by ClinVar (database versions not stated): ExAC 0.00001; gnomAD exomes 0.00001.
gnomAD v4.1: 3 of 1,614,000 alleles (0.00019%); highest among the groups gnomAD compares: Admixed American, 0.0017%; no homozygotes.

Submissions (2):

Ambry Genetics
Classification: Uncertain significance. Last evaluated: 2024-12-12. Review status: criteria provided, single submitter. Criteria: Ambry Variant Classification Scheme 2023. Collection method: clinical testing. Allele origin: germline.

Labcorp Genetics (formerly Invitae), Labcorp
Classification: Uncertain significance. Last evaluated: 2023-08-10. Review status: criteria provided, single submitter. Criteria: Invitae Variant Classification Sherloc (09022015). Collection method: clinical testing. Allele origin: germline.
Comment: An algorithm developed to predict the effect of missense changes on protein structure and function (PolyPhen-2) suggests that this variant is likely to be disruptive. ClinVar contains an entry for this variant (Variation ID: 1994687). This variant has not been reported in the literature in individuals affected with ARHGEF1-related conditions. This variant is present in population databases (rs782286874, gnomAD 0.003%). This sequence change replaces arginine, which is basic and polar, with histidine, which is basic and polar, at codon 622 of the ARHGEF1 protein (p.Arg622His). In summary, the available evidence is currently insufficient to determine the role of this variant in disease. Therefore, it has been classified as a Variant of Uncertain Significance. Algorithms developed to predict the effect of sequence changes on RNA splicing suggest that this variant may disrupt the consensus splice site.

NM_004706.4(ARHGEF1):c.1820G>A (p.Arg607His)

Gene: ARHGEF1 (Rho guanine nucleotide exchange factor 1; plus strand). Cytogenetic location: 19q13.2.
Variant type: single nucleotide variant.
Coding change: c.1820G>A on transcript NM_004706.4 (MANE Select); coding-DNA position 1820, G replaced by A.
Protein change: p.Arg607His; replaces arginine 607 with histidine.
Molecular consequence: missense variant. On other transcripts: non-coding transcript variant (2).
Genome position (GRCh38, 1-based): chr19:41,903,388, G>A. VCF-style: chr19-41903388-G-A. GRCh37 (hg19) VCF-style: chr19-42407538-G-A.
Other names: c.1988G>A, p.Arg663His (NM_001396000.1); c.1721G>A, p.Arg574His (NM_001396002.1, NM_001396004.1, NM_198977.2); c.1820G>A, p.Arg607His (NM_001396003.1, NM_001396006.1); c.1865G>A, p.Arg622His (NM_199002.2); c.1865G>A (NM_199002.1); short protein forms R607H, R622H, R663H, R574H.
Identifiers: ClinVar variation 1994687 (VCV001994687.5), dbSNP rs782286874, ClinGen allele CA9466485.